The following is an entry in ClinVar:

ClinVar aggregate classification (germline): Uncertain significance (1 of 4 stars; one submission).

Submission:

Dasa
Classification: Uncertain significance. Last evaluated: 2026-05-14. Review status: criteria provided, single submitter. Criteria: DASA Assertion Criteria. Collection method: clinical testing. Allele origin: germline.
Comment: NM_000334.4(SCN4A):c.3590G>A (p.Arg1197Lys) is a missense variant that results in the substitution of arginine with lysine. The affected residue or protein region has prior evidence supporting clinical relevance. This variant is rare in population databases. The currently available literature and clinical evidence are not sufficient to establish a definitive association between this variant and the reported condition. Therefore, this variant is classified as a variant of uncertain significance.

NM_000334.4(SCN4A):c.3590G>A (p.Arg1197Lys)

Genes: GH-LCR (growth hormone locus control region; plus strand), SCN4A (sodium voltage-gated channel alpha subunit 4; minus strand). Cytogenetic location: 17q23.3.
Variant type: single nucleotide variant.
Coding change: c.3590G>A on transcript NM_000334.4 (MANE Select); coding-DNA position 3590, G replaced by A.
Protein change: p.Arg1197Lys; replaces arginine 1197 with lysine.
Molecular consequence: missense variant.
Genome position (GRCh38, 1-based): chr17:63,945,490, C>T on the plus strand (G>A on the coding strand, the complement: SCN4A is on the minus strand). VCF-style: chr17-63945490-C-T. GRCh37 (hg19) VCF-style: chr17-62022850-C-T.
Other names: short protein forms R1197K.
Identifiers: ClinVar variation 5020569 (VCV005020569.1).